The following is an entry in ClinVar:

ClinVar aggregate classification (germline): Uncertain significance. Review status: criteria provided, multiple submitters, no conflicts (2 of 4 stars). 3 submissions from 3 submitters: Uncertain significance (2). 1 of the submissions does not count toward it. Last evaluated 2022-07-05.

Submissions (3):

Labcorp Genetics (formerly Invitae), Labcorp
Classification: Uncertain significance. Last evaluated: 2022-07-05. Review status: criteria provided, single submitter. Criteria: Invitae Variant Classification Sherloc (09022015). Collection method: clinical testing. Allele origin: germline.
Comment: Algorithms developed to predict the effect of variants on protein structure and function are not available or were not evaluated for this variant. ClinVar contains an entry for this variant (Variation ID: 208850). This premature translational stop signal has been observed in individual(s) with colorectal cancer (PMID: 24941021). It has also been observed to segregate with disease in related individuals. This variant is not present in population databases (gnomAD no frequency). This sequence change creates a premature translational stop signal (p.Val50Serfs*23) in the RPS20 gene. While this is not anticipated to result in nonsense mediated decay, it is expected to disrupt the last 70 amino acid(s) of the RPS20 protein. Experimental studies have shown that this premature translational stop signal affects RPS20 function (PMID: 24941021). In summary, the available evidence is currently insufficient to determine the role of this variant in disease. Therefore, it has been classified as a Variant of Uncertain Significance.

Ambry Genetics
Classification: Uncertain significance. Last evaluated: 2020-02-04. Review status: criteria provided, single submitter. Criteria: Ambry Variant Classification Scheme 2023. Collection method: clinical testing. Allele origin: germline.
Comment: The c.147dupA variant, located in coding exon 3 of the RPS20 gene, results from a duplication of A at nucleotide position 147, causing a translational frameshift with a predicted alternate stop codon. This alteration is expected to result in loss of function by premature protein truncation or nonsense-mediated mRNA decay. However, loss of function of RPS20 has not been clearly established as a mechanism of disease. Since supporting evidence is limited at this time, the clinical significance of this alteration remains unclear.

OMIM
Classification: Uncertain significance for VARIANT OF UNKNOWN SIGNIFICANCE. Last evaluated: 2014-09-01. Review status: no assertion criteria provided. Collection method: literature only. Allele origin: germline. Not counted in ClinVar's aggregate classification.

Literature cited by the submitters: PubMed 24941021 (cited by Labcorp Genetics (formerly Invitae), Labcorp and OMIM).

NM_001023.4(RPS20):c.147dup (p.Val50fs)

Gene: RPS20 (ribosomal protein S20; minus strand). Cytogenetic location: 8q12.1.
Variant type: Duplication.
Coding change: c.147dup on transcript NM_001023.4 (MANE Select); coding-DNA position 147, one base duplicated (A; older notation c.147dupA).
Protein change: p.Val50fs; shifts the reading frame from valine 50.
Molecular consequence: frameshift variant.
Genome position (GRCh38, 1-based): chr8:56,073,725, T duplicated on the plus strand (A on the coding strand, the reverse complement: RPS20 is on the minus strand); the first of 3 consecutive T bases (chr8:56,073,725-56,073,727); duplicating any one gives the same sequence. VCF-style (leftmost placement, unchanged base first): chr8-56073724-C-CT. GRCh37 (hg19) VCF-style: chr8-56986283-C-CT.
Other names: c.147dup, p.Val50fs (NM_001146227.3); c.147dupA (NM_001023.3); short protein forms V50fs.
Identifiers: ClinVar variation 208850 (VCV000208850.12), dbSNP rs863223400, ClinGen allele CA278919.
Genomic context (GRCh38, chr8:56,073,724, plus strand): 5'-TCCTACTTCCTGCCCCTCCGATTTACTTTACCTTGGTAGGCATTCGAACTGGTCCTTTCA[C>CT]TTTGAGATTCTTTTCTTTTGCGCCTCTTATCAAGTCAGCACACACTACAGGAAATAAAAG-3'